The following is an entry in ClinVar:

NM_001165963.4(SCN1A):c.5138G>T (p.Ser1713Ile)

Genes: SCN1A (sodium voltage-gated channel alpha subunit 1; minus strand), LOC102724058 (uncharacterized LOC102724058; plus strand). Cytogenetic location: 2q24.3.
Variant type: single nucleotide variant.
Coding change: c.5138G>T on transcript NM_001165963.4 (MANE Select); coding-DNA position 5138, G replaced by T.
Protein change: p.Ser1713Ile; replaces serine 1713 with isoleucine.
Molecular consequence: missense variant. On other transcripts: non-coding transcript variant (1).
Genome position (GRCh38, 1-based): chr2:165,992,137, C>A on the plus strand (G>T on the coding strand, the complement: SCN1A is on the minus strand). VCF-style: chr2-165992137-C-A. GRCh37 (hg19) VCF-style: chr2-166848647-C-A.
Other names: c.5054G>T, p.Ser1685Ile (NM_001165964.3, NM_001353957.2, NM_001353958.2); c.5138G>T, p.Ser1713Ile (NM_001202435.3, NM_001353948.2); c.5105G>T, p.Ser1702Ile (NM_001353949.2, NM_001353950.2, NM_001353951.2 and 2 more transcripts); c.5102G>T, p.Ser1701Ile (NM_001353954.2, NM_001353955.2); c.5051G>T, p.Ser1684Ile (NM_001353960.2); c.2696G>T, p.Ser899Ile (NM_001353961.2); short protein forms S1701I, S1684I, S1685I, S1713I, S899I, S1702I.
Identifiers: ClinVar variation 1390580 (VCV001390580.7), dbSNP rs121918816, ClinGen allele CA349068980.

ClinVar aggregate classification (germline): Pathogenic (1 of 4 stars; one submission).

Conditions:
Early-infantile DEE. Also called: Early infantile epileptic encephalopathy with suppression bursts; Early infantile epileptic encephalopathy; Ohtahara syndrome. Identifiers: Orphanet 1934, MedGen C0393706, MONDO:0800491.

Submission:

Labcorp Genetics (formerly Invitae), Labcorp
Classification: Pathogenic for Early-infantile DEE. Last evaluated: 2024-10-23. Review status: criteria provided, single submitter. Criteria: Invitae Variant Classification Sherloc (09022015). Collection method: clinical testing. Allele origin: germline.
Comment: This sequence change replaces serine, which is neutral and polar, with isoleucine, which is neutral and non-polar, at codon 1713 of the SCN1A protein (p.Ser1713Ile). This variant is not present in population databases (gnomAD no frequency). This missense change has been observed in individual(s) with clinical features of SCN1A-related conditions (internal data). In at least one individual the variant was observed to be de novo. ClinVar contains an entry for this variant (Variation ID: 1390580). Invitae Evidence Modeling of protein sequence and biophysical properties (such as structural, functional, and spatial information, amino acid conservation, physicochemical variation, residue mobility, and thermodynamic stability) indicates that this missense variant is expected to disrupt SCN1A protein function with a positive predictive value of 95%. For these reasons, this variant has been classified as Pathogenic.